The following is an entry in ClinVar:

NM_025132.4(WDR19):c.1778-3T>C

Gene: WDR19 (WD repeat domain 19; plus strand). Cytogenetic location: 4p14.
Variant type: single nucleotide variant.
Coding change: c.1778-3T>C on transcript NM_025132.4 (MANE Select); 3 bases into the intron before coding-DNA position 1778, T replaced by C.
Molecular consequence: intron variant.
Genome position (GRCh38, 1-based): chr4:39,228,483, T>C. VCF-style: chr4-39228483-T-C. GRCh37 (hg19) VCF-style: chr4-39230103-T-C.
Other names: c.1298-3T>C (NM_001317924.2).
Identifiers: ClinVar variation 4793212 (VCV004793212.1).

ClinVar aggregate classification (germline): Uncertain significance (1 of 4 stars; one submission).

Conditions:
Senior-Loken syndrome 8 (SLSN8). Identifiers: Orphanet 3156, MedGen C4225376, MONDO:0014579, OMIM 616307.
Asphyxiating thoracic dystrophy 5 (SRTD5). Also called: SHORT-RIB THORACIC DYSPLASIA 5 WITH OR WITHOUT POLYDACTYLY; SHORT-RIB THORACIC DYSPLASIA 5 WITHOUT POLYDACTYLY. Identifiers: Orphanet 474, MedGen C3280598, MONDO:0013717, OMIM 614376.

Submission:

Labcorp Genetics (formerly Invitae), Labcorp
Classification: Uncertain significance for Senior-Loken syndrome 8; Asphyxiating thoracic dystrophy 5. Last evaluated: 2025-12-19. Review status: criteria provided, single submitter. Criteria: Invitae Variant Classification Sherloc (09022015). Collection method: clinical testing. Allele origin: germline.
Comment: This sequence change falls in intron 16 of the WDR19 gene. It does not directly change the encoded amino acid sequence of the WDR19 protein. It affects a nucleotide within the consensus splice site. This variant is not present in population databases (gnomAD no frequency). This variant has not been reported in the literature in individuals affected with WDR19-related conditions. Variants that disrupt the consensus splice site are a relatively common cause of aberrant splicing (PMID: 17576681, 9536098). Algorithms developed to predict the effect of sequence changes on RNA splicing suggest that this variant is not likely to affect RNA splicing. In summary, the available evidence is currently insufficient to determine the role of this variant in disease. Therefore, it has been classified as a Variant of Uncertain Significance.

Literature cited by the submitters: PubMed 17576681; PubMed 9536098.